The following is an entry in ClinVar:

ClinVar aggregate classification (germline): Uncertain significance. Review status: criteria provided, multiple submitters, no conflicts (2 of 4 stars). 2 submissions from 2 submitters: Uncertain significance (2). Last evaluated 2025-09-29.

Conditions:
Baller-Gerold syndrome (BGS). Also called: CRANIOSYNOSTOSIS WITH RADIAL DEFECTS. Identifiers: Orphanet 1225, MedGen C0265308, MONDO:0009039, OMIM 218600.
Inborn genetic diseases. Identifiers: MedGen C0950123, MeSH D030342.

Submissions (2):

Ambry Genetics
Classification: Uncertain significance for Inborn genetic diseases. Last evaluated: 2025-09-29. Review status: criteria provided, single submitter. Criteria: Ambry Variant Classification Scheme 2023. Collection method: clinical testing. Allele origin: germline.
Comment: The p.T740A variant (also known as c.2218A>G), located in coding exon 14 of the RECQL4 gene, results from an A to G substitution at nucleotide position 2218. The threonine at codon 740 is replaced by alanine, an amino acid with similar properties. This amino acid position is conserved. In addition, this alteration is predicted to be tolerated by in silico analysis. Based on the available evidence, the clinical significance of this variant remains unclear.

Labcorp Genetics (formerly Invitae), Labcorp
Classification: Uncertain significance for Baller-Gerold syndrome. Last evaluated: 2023-12-28. Review status: criteria provided, single submitter. Criteria: Invitae Variant Classification Sherloc (09022015). Collection method: clinical testing. Allele origin: germline.
Comment: This sequence change replaces threonine, which is neutral and polar, with alanine, which is neutral and non-polar, at codon 740 of the RECQL4 protein (p.Thr740Ala). This variant is not present in population databases (gnomAD no frequency). This variant has not been reported in the literature in individuals affected with RECQL4-related conditions. ClinVar contains an entry for this variant (Variation ID: 944248). Advanced modeling of protein sequence and biophysical properties (such as structural, functional, and spatial information, amino acid conservation, physicochemical variation, residue mobility, and thermodynamic stability) performed at Invitae indicates that this missense variant is not expected to disrupt RECQL4 protein function with a negative predictive value of 80%. In summary, the available evidence is currently insufficient to determine the role of this variant in disease. Therefore, it has been classified as a Variant of Uncertain Significance.

NM_004260.4(RECQL4):c.2218A>G (p.Thr740Ala)

Gene: RECQL4 (RecQ like helicase 4; minus strand). Cytogenetic location: 8q24.3.
Variant type: single nucleotide variant.
Coding change: c.2218A>G on transcript NM_004260.4 (MANE Select); coding-DNA position 2218, A replaced by G.
Protein change: p.Thr740Ala; replaces threonine 740 with alanine.
Molecular consequence: missense variant.
Genome position (GRCh38, 1-based): chr8:144,513,463, T>C on the plus strand (A>G on the coding strand, the complement: RECQL4 is on the minus strand). VCF-style: chr8-144513463-T-C. GRCh37 (hg19) VCF-style: chr8-145738847-T-C.
Other names: short protein forms T740A.
Identifiers: ClinVar variation 944248 (VCV000944248.4), dbSNP rs1586803619, ClinGen allele CA372678543.